The following is an entry in ClinVar:

ClinVar aggregate classification (germline): Conflicting classifications of pathogenicity. Review status: criteria provided, conflicting classifications (1 of 4 stars). 7 submissions from 7 submitters: Uncertain significance (5); Likely benign (1). 1 of the submissions does not count toward it. Last evaluated 2025-12-30.

Conditions:
Fanconi anemia (FA). Also called: Fanconi's anemia. Identifiers: Orphanet 84, MedGen C0015625, MeSH D005199, MONDO:0019391.
Fanconi anemia complementation group A (FANCA). Also called: Fanconi anemia, group A; FANCA-Related Fanconi Anemia. Identifiers: Orphanet 84, MedGen C3469521, MONDO:0009215, OMIM 227650.

Allele frequency attached by ClinVar (database versions not stated): gnomAD exomes 0.00019; gnomAD 0.00029 and 0.00030; ESP Exome Variant Server 0.00031; TOPMed 0.00038.
gnomAD v4.1: 701 of 1,613,970 alleles (0.043%); highest among the groups gnomAD compares: Non-Finnish European, 0.056%; 1 homozygote.

Submissions (7):

Labcorp Genetics (formerly Invitae), Labcorp
Classification: Likely benign for Fanconi anemia. Last evaluated: 2025-12-30. Review status: criteria provided, single submitter. Criteria: Invitae Variant Classification Sherloc (09022015). Collection method: clinical testing. Allele origin: germline.

GeneDx
Classification: Uncertain significance. Last evaluated: 2025-11-14. Review status: criteria provided, single submitter. Criteria: GeneDx Variant Classification Process June 2021. Collection method: clinical testing. Allele origin: germline. Affected: yes.
Comment: In silico analysis suggests that this missense variant does not alter protein structure/function; This variant is associated with the following publications: (PMID: 28548121, 28259476, 28767289, 32659497)

Quest Diagnostics Nichols Institute San Juan Capistrano
Classification: Uncertain significance. Last evaluated: 2025-08-28. Review status: criteria provided, single submitter. Criteria: Quest Diagnostics criteria. Collection method: clinical testing. Allele origin: unknown.
Comment: The FANCA c.577C>G (p.Leu193Val) variant has been reported in individuals with pancreatic ductal adenocarcinoma (PMID: 32659497 (2020)) and gastrointestinal stromal tumor (PMID: 28767289 (2017)). The frequency of this variant in the general population (Genome Aggregation Database) is uninformative in the assessment of its pathogenicity. Analysis of this variant using bioinformatics tools or the prediction of the effect of amino acid changes on protein structure and function yielded predictions that this variant is benign. Based on the available information, we are unable to determine the clinical significance of this variant.

St. Jude Molecular Pathology, St. Jude Children's Research Hospital
Classification: Uncertain significance for Fanconi anemia complementation group A. Last evaluated: 2023-10-24. Review status: criteria provided, single submitter. Criteria: St. Jude Assertion Criteria 2020. Collection method: clinical testing. Allele origin: germline.
Comment: The FANCA c.577C>G (p.Leu193Val) missense change has a maximum subpopulation frequency of 0.037% in gnomAD v2.1.1. The in silico tool REVEL predicts a benign effect on protein function, but to our knowledge this prediction has not been confirmed by functional studies. To our knowledge, this variant has not been reported in individuals with Fanconi anemia. In summary, the evidence currently available is insufficient to determine the role of this variant in Fanconi anemia. It has therefore been classified as of uncertain significance.

Mayo Clinic Laboratories, Mayo Clinic
Classification: Uncertain significance. Last evaluated: 2022-09-30. Review status: criteria provided, single submitter. Criteria: ACMG Guidelines, 2015. Collection method: clinical testing. Allele origin: germline. Observed: 2 variant alleles.
Comment: BP4

Illumina Laboratory Services, Illumina
Classification: Uncertain significance for Fanconi anemia complementation group A. Last evaluated: 2018-01-12. Review status: criteria provided, single submitter. Criteria: ICSL Variant Classification Criteria 13 December 2019. Collection method: clinical testing. Allele origin: germline.

Natera, Inc.
Classification: Uncertain significance for Fanconi anemia, group A. Last evaluated: 2020-09-16. Review status: no assertion criteria provided. Collection method: clinical testing. Allele origin: germline. Not counted in ClinVar's aggregate classification.

Literature cited by the submitters: PubMed 32659497 (cited by Quest Diagnostics Nichols Institute San Juan Capistrano); PubMed 28767289 (cited by Quest Diagnostics Nichols Institute San Juan Capistrano).

NM_000135.4(FANCA):c.577C>G (p.Leu193Val)

Gene: FANCA (FA complementation group A; minus strand). Cytogenetic location: 16q24.3.
Variant type: single nucleotide variant.
Coding change: c.577C>G on transcript NM_000135.4 (MANE Select); coding-DNA position 577, C replaced by G.
Protein change: p.Leu193Val; replaces leucine 193 with valine.
Molecular consequence: missense variant.
Genome position (GRCh38, 1-based): chr16:89,808,313, G>C on the plus strand (C>G on the coding strand, the complement: FANCA is on the minus strand). VCF-style: chr16-89808313-G-C. GRCh37 (hg19) VCF-style: chr16-89874721-G-C.
Other names: p.Leu193Val; c.577C>G (LRG_495t1, NM_000135.3); c.577C>G, p.Leu193Val (NM_001018112.3, NM_001286167.3); c.481C>G, p.Leu161Val (NM_001351830.2); short protein forms L193V, L161V.
Identifiers: ClinVar variation 321369 (VCV000321369.26), dbSNP rs141861208, ClinGen allele CA8252926.